The following is an entry in ClinVar:

NM_001375524.1(TRRAP):c.8032G>A (p.Ala2678Thr)

Gene: TRRAP (transformation/transcription domain associated protein; plus strand). Cytogenetic location: 7q22.1.
Variant type: single nucleotide variant.
Coding change: c.8032G>A on transcript NM_001375524.1 (MANE Select); coding-DNA position 8032, G replaced by A.
Protein change: p.Ala2678Thr; replaces alanine 2678 with threonine.
Molecular consequence: missense variant.
Genome position (GRCh38, 1-based): chr7:98,976,555, G>A. VCF-style: chr7-98976555-G-A. GRCh37 (hg19) VCF-style: chr7-98574178-G-A.
Other names: c.7957G>A (NM_003496.3); c.8011G>A, p.Ala2671Thr (NM_001244580.2); c.7957G>A, p.Ala2653Thr (NM_003496.4); short protein forms A2671T, A2653T, A2678T.
Identifiers: ClinVar variation 1990361 (VCV001990361.6), dbSNP rs201477918, ClinGen allele CA4361313.

ClinVar aggregate classification (germline): Conflicting classifications of pathogenicity. Review status: criteria provided, conflicting classifications (1 of 4 stars). 3 submissions from 3 submitters: Uncertain significance (2); Likely benign (1). Last evaluated 2026-08-26.

Conditions:
Inborn genetic diseases. Identifiers: MedGen C0950123, MeSH D030342.
TRRAP-related disorder. Also called: TRRAP-related condition.

Allele frequency attached by ClinVar (database versions not stated): ExAC 0.00002; gnomAD 0.00004; gnomAD exomes 0.00004; TOPMed 0.00004; ESP Exome Variant Server 0.00008.
gnomAD v4.1: 66 of 1,613,918 alleles (0.0041%); highest among the groups gnomAD compares: Non-Finnish European, 0.005%; no homozygotes.

Submissions (3):

PreventionGenetics, part of Exact Sciences
Classification: Uncertain significance for TRRAP-related condition. Last evaluated: 2026-08-26. Review status: criteria provided, single submitter. Criteria: ACMG Guidelines, 2015. Collection method: clinical testing. Allele origin: germline.
Comment: The TRRAP c.7957G>A variant is predicted to result in the amino acid substitution p.Ala2653Thr. To our knowledge, this variant has not been reported in the literature. This variant is reported in 0.0093% of alleles in individuals of European (Non-Finnish) descent in gnomAD. At this time, the clinical significance of this variant is uncertain due to the absence of conclusive functional and genetic evidence.

Labcorp Genetics (formerly Invitae), Labcorp
Classification: Uncertain significance. Last evaluated: 2025-09-24. Review status: criteria provided, single submitter. Criteria: Invitae Variant Classification Sherloc (09022015). Collection method: clinical testing. Allele origin: germline.
Comment: This sequence change replaces alanine, which is neutral and non-polar, with threonine, which is neutral and polar, at codon 2653 of the TRRAP protein (p.Ala2653Thr). This variant is present in population databases (rs201477918, gnomAD 0.01%). This variant has not been reported in the literature in individuals affected with TRRAP-related conditions. ClinVar contains an entry for this variant (Variation ID: 1990361). Invitae Evidence Modeling of protein sequence and biophysical properties (such as structural, functional, and spatial information, amino acid conservation, physicochemical variation, residue mobility, and thermodynamic stability) indicates that this missense variant is not expected to disrupt TRRAP protein function with a negative predictive value of 80%. In summary, the available evidence is currently insufficient to determine the role of this variant in disease. Therefore, it has been classified as a Variant of Uncertain Significance.

Ambry Genetics
Classification: Likely benign for Inborn genetic diseases. Last evaluated: 2022-07-19. Review status: criteria provided, single submitter. Criteria: Ambry Variant Classification Scheme 2023. Collection method: clinical testing. Allele origin: germline.